The following is an entry in ClinVar:

NM_001080523.3(ARRDC5):c.150C>T (p.Val50=)

Gene: ARRDC5 (arrestin domain containing 5; minus strand). Cytogenetic location: 19p13.3.
Variant type: single nucleotide variant.
Coding change: c.150C>T on transcript NM_001080523.3 (MANE Select); coding-DNA position 150, C replaced by T.
Protein change: p.Val50=; no amino-acid change (valine 50 retained).
Molecular consequence: synonymous variant.
Genome position (GRCh38, 1-based): chr19:4,902,676, G>A on the plus strand (C>T on the coding strand, the complement: ARRDC5 is on the minus strand). VCF-style: chr19-4902676-G-A. GRCh37 (hg19) VCF-style: chr19-4902688-G-A.
Other names: c.150C>T, p.Val50= (NM_001367189.2).
Identifiers: ClinVar variation 2649083 (VCV002649083.24), dbSNP rs781165398, ClinGen allele CA9106272.

ClinVar aggregate classification (germline): Likely benign (1 of 4 stars; one submission).

Allele frequency attached by ClinVar (database versions not stated): TOPMed 0.00001; gnomAD 0.00002; ExAC 0.00005.

Submission:

CeGaT Center for Human Genetics Tuebingen
Classification: Likely benign. Last evaluated: 2023-03-01. Review status: criteria provided, single submitter. Criteria: CeGaT Center For Human Genetics Tuebingen Variant Classification Criteria Version 2. Collection method: clinical testing. Allele origin: germline. Affected: yes. Observed: 1 variant allele.
Comment: ARRDC5: BP4, BP7